The following is an entry in ClinVar:

ClinVar aggregate classification (germline): Uncertain significance (1 of 4 stars; one submission).

Conditions:
Familial acute necrotizing encephalopathy (IIAE3). Also called: Susceptibility to Acute Necrotizing Encephalopathy 1; ENCEPHALOPATHY, ACUTE, INFECTION-INDUCED, SUSCEPTIBILITY TO, 3. Identifiers: Orphanet 88619, MedGen C2675556, MONDO:0011953, OMIM 608033.

Submission:

Labcorp Genetics (formerly Invitae), Labcorp
Classification: Uncertain significance for Encephalopathy, acute, infection-induced, 3, suceptibility to. Last evaluated: 2018-10-16. Review status: criteria provided, single submitter. Criteria: Invitae Variant Classification Sherloc (09022015). Collection method: clinical testing. Allele origin: germline.
Comment: This sequence change creates a premature translational stop signal (p.Ser156*) in the RANBP2 gene. It is expected to result in an absent or disrupted protein product. This variant is not present in population databases (ExAC no frequency). This variant has not been reported in the literature in individuals with RANBP2-related disease. This variant disrupts the p.Thr585 amino acid residue in RANBP2. Other variant(s) that disrupt this residue have been observed in affected individuals (PMID: 26923722, 27591117, 21945312, 20473521,Â¬â€ 26110162, 19811512, 19118815, 25128471, 25522933, 21205700,Â¬â€ 28336122), suggesting that it is a clinically significant residue. As a result, variants that disrupt this residue are likely to be causative of disease. The current clinical and genetic evidence is not sufficient to establish whether loss-of-function variants in RANBP2 cause disease. In summary, the available evidence is currently insufficient to determine the role of this variant in disease. Therefore, it has been classified as a Variant of Uncertain Significance.

Literature cited by the submitters: PubMed 27591117; PubMed 20473521; PubMed 21945312; PubMed 26923722.

NM_006267.5(RANBP2):c.467C>G (p.Ser156Ter)

Gene: RANBP2 (RAN binding protein 2; plus strand). Cytogenetic location: 2q13.
Variant type: single nucleotide variant.
Coding change: c.467C>G on transcript NM_006267.5 (MANE Select); coding-DNA position 467, C replaced by G.
Protein change: p.Ser156Ter; replaces serine 156 with a stop codon.
Molecular consequence: nonsense.
Genome position (GRCh38, 1-based): chr2:108,735,593, C>G. VCF-style: chr2-108735593-C-G. GRCh37 (hg19) VCF-style: chr2-109352049-C-G.
Other names: short protein forms S156*.
Identifiers: ClinVar variation 657316 (VCV000657316.1), dbSNP rs1573715350, ClinGen allele CA348039899.